The following is an entry in ClinVar:

ClinVar aggregate classification (germline): Uncertain significance (1 of 4 stars; one submission).

Conditions:
Charcot-Marie-Tooth disease axonal type 2O. Also called: CHARCOT-MARIE-TOOTH NEUROPATHY, AXONAL, TYPE 2O; CHARCOT-MARIE-TOOTH DISEASE, AXONAL, AUTOSOMAL DOMINANT, TYPE 2O; Charcot-Marie-Tooth Neuropathy Type 2O; Charcot-Marie-Tooth disease, axonal, type 20. Identifiers: Orphanet 284232, MedGen C3280220, MONDO:0013644, OMIM 614228.

Submission:

Labcorp Genetics (formerly Invitae), Labcorp
Classification: Uncertain significance for Charcot-Marie-Tooth disease axonal type 2O. Last evaluated: 2025-06-18. Review status: criteria provided, single submitter. Criteria: Invitae Variant Classification Sherloc (09022015). Collection method: clinical testing. Allele origin: germline.
Comment: This sequence change creates a premature translational stop signal (p.Trp450*) in the DYNC1H1 gene. It is expected to result in an absent or disrupted protein product. However, the current clinical and genetic evidence is not sufficient to establish whether loss-of-function variants in DYNC1H1 cause disease. This variant is not present in population databases (gnomAD no frequency). This variant has not been reported in the literature in individuals affected with DYNC1H1-related conditions. Algorithms developed to predict the effect of sequence changes on RNA splicing suggest that this variant may create or strengthen a splice site. In summary, the available evidence is currently insufficient to determine the role of this variant in disease. Therefore, it has been classified as a Variant of Uncertain Significance.

NM_001376.5(DYNC1H1):c.1350G>A (p.Trp450Ter)

Gene: DYNC1H1 (dynein cytoplasmic 1 heavy chain 1; plus strand). Cytogenetic location: 14q32.31.
Variant type: single nucleotide variant.
Coding change: c.1350G>A on transcript NM_001376.5 (MANE Select); coding-DNA position 1350, G replaced by A.
Protein change: p.Trp450Ter; replaces tryptophan 450 with a stop codon.
Molecular consequence: nonsense.
Genome position (GRCh38, 1-based): chr14:101,983,498, G>A. VCF-style: chr14-101983498-G-A. GRCh37 (hg19) VCF-style: chr14-102449835-G-A.
Other names: short protein forms W450*.
Identifiers: ClinVar variation 4718052 (VCV004718052.1).